The following is an entry in ClinVar:

NM_001734.5(C1S):c.1067C>T (p.Pro356Leu)

Gene: C1S (complement C1s; plus strand). Cytogenetic location: 12p13.31.
Variant type: single nucleotide variant.
Coding change: c.1067C>T on transcript NM_001734.5 (MANE Select); coding-DNA position 1067, C replaced by T.
Protein change: p.Pro356Leu; replaces proline 356 with leucine.
Molecular consequence: missense variant.
Genome position (GRCh38, 1-based): chr12:7,067,643, C>T. VCF-style: chr12-7067643-C-T. GRCh37 (hg19) VCF-style: chr12-7174947-C-T.
Other names: c.566C>T, p.Pro189Leu (NM_001346850.2); c.1067C>T, p.Pro356Leu (NM_201442.4); short protein forms P189L, P356L.
Identifiers: ClinVar variation 1353961 (VCV001353961.8), dbSNP rs2135727012, ClinGen allele CA383700535.

ClinVar aggregate classification (germline): Uncertain significance (1 of 4 stars; one submission).

Submission:

Labcorp Genetics (formerly Invitae), Labcorp
Classification: Uncertain significance. Last evaluated: 2025-10-14. Review status: criteria provided, single submitter. Criteria: Invitae Variant Classification Sherloc (09022015). Collection method: clinical testing. Allele origin: germline.
Comment: This sequence change replaces proline, which is neutral and non-polar, with leucine, which is neutral and non-polar, at codon 356 of the C1S protein (p.Pro356Leu). This variant is not present in population databases (gnomAD no frequency). This variant has not been reported in the literature in individuals affected with C1S-related conditions. ClinVar contains an entry for this variant (Variation ID: 1353961). An algorithm developed to predict the effect of missense changes on protein structure and function (PolyPhen-2) suggests that this variant is likely to be disruptive. In summary, the available evidence is currently insufficient to determine the role of this variant in disease. Therefore, it has been classified as a Variant of Uncertain Significance.